The following is an entry in ClinVar:

ClinVar aggregate classification (germline): Conflicting classifications of pathogenicity. Review status: criteria provided, conflicting classifications (1 of 4 stars). 2 submissions from 2 submitters: Uncertain significance (1); Likely benign (1). Last evaluated 2024-08-28.

Allele frequency attached by ClinVar (database versions not stated): gnomAD exomes below 0.00001 and 0.00001; ExAC 0.00001; TOPMed 0.00003; gnomAD 0.00006 and 0.00007.
gnomAD v4.1: 19 of 1,614,068 alleles (0.0012%); highest among the groups gnomAD compares: African/African-American, 0.004%; no homozygotes.

Submissions (2):

Labcorp Genetics (formerly Invitae), Labcorp
Classification: Likely benign. Last evaluated: 2024-08-28. Review status: criteria provided, single submitter. Criteria: Invitae Variant Classification Sherloc (09022015). Collection method: clinical testing. Allele origin: germline.

GeneDx
Classification: Uncertain significance. Last evaluated: 2019-11-14. Review status: criteria provided, single submitter. Criteria: GeneDx Variant Classification Process June 2021. Collection method: clinical testing. Allele origin: germline. Affected: yes.
Comment: Not observed at a significant frequency in large population cohorts (Lek et al., 2016); Has not been previously published as pathogenic or benign to our knowledge; In-silico analysis, which includes splice predictors and evolutionary conservation, is inconclusive as to whether the variant alters gene splicing. In the absence of RNA/functional studies, the actual effect of this sequence change is unknown.

NM_000391.4(TPP1):c.1323C>T (p.Tyr441=)

Gene: TPP1 (tripeptidyl peptidase 1; minus strand). Cytogenetic location: 11p15.4.
Variant type: single nucleotide variant.
Coding change: c.1323C>T on transcript NM_000391.4 (MANE Select); coding-DNA position 1323, C replaced by T.
Protein change: p.Tyr441=; no amino-acid change (tyrosine 441 retained).
Molecular consequence: synonymous variant.
Genome position (GRCh38, 1-based): chr11:6,615,273, G>A on the plus strand (C>T on the coding strand, the complement: TPP1 is on the minus strand). VCF-style: chr11-6615273-G-A. GRCh37 (hg19) VCF-style: chr11-6636504-G-A.
Identifiers: ClinVar variation 1089450 (VCV001089450.11), dbSNP rs757548236, ClinGen allele CA5858675.